The following is an entry in ClinVar:

NM_001366722.1(GRIP1):c.2583del (p.Gly861_Leu862insTer)

Gene: GRIP1 (glutamate receptor interacting protein 1; minus strand). Cytogenetic location: 12q14.3.
Variant type: Deletion.
Coding change: c.2583del on transcript NM_001366722.1 (MANE Select); coding-DNA position 2583, one base deleted (G; older notation c.2583delG).
Protein change: p.Gly861_Leu862insTer.
Molecular consequence: frameshift variant.
Genome position (GRCh38, 1-based): chr12:66,379,318, C deleted on the plus strand (G on the coding strand, the reverse complement: GRIP1 is on the minus strand); the first of 4 consecutive C bases (chr12:66,379,318-66,379,321); deleting any one gives the same sequence. VCF-style (leftmost placement, unchanged base first): chr12-66379317-GC-G. GRCh37 (hg19) VCF-style: chr12-66773097-GC-G.
Other names: c.2427del, p.Gly809_Leu810insTer (NM_001178074.2, NM_001379351.1, NM_021150.4); c.2502del, p.Gly834_Leu835insTer (NM_001366723.1, NM_001379348.1); c.2505del, p.Gly835_Leu836insTer (NM_001366724.1, NM_001379347.1); c.2661del, p.Gly887_Leu888insTer (NM_001379345.1); c.2583del, p.Gly861_Leu862insTer (NM_001379346.1, NM_001439323.1); c.2430del, p.Gly810_Leu811insTer (NM_001379349.1); c.2586del, p.Gly862_Leu863insTer (NM_001439322.1).
Identifiers: ClinVar variation 5004302 (VCV005004302.1).
Genomic context (GRCh38, chr12:66,379,317, plus strand): 5'-GCAGCATTGGTTGAAAACCTTACCCACTGGCTGTGGACCGGTCCCAGTCTTCATAACTCA[GC>G]CCCACATCTGGGTAAGTCTGGCTTCGAGGCTTAGTGACTGGGGACAAGCTGCCTCTCTGT-3'

ClinVar aggregate classification (germline): Pathogenic (1 of 4 stars; one submission).

Conditions:
Fraser syndrome 3. Identifiers: MedGen C4540040, MONDO:0054739, OMIM 617667.

Submission:

Myriad Genetics, Inc.
Classification: Pathogenic for Fraser syndrome 3. Last evaluated: 2025-12-11. Review status: criteria provided, single submitter. Criteria: Myriad Autosomal Dominant, Autosomal Recessive and X-Linked Classification Criteria (2023). Collection method: clinical testing. Allele origin: unknown.
Comment: NM_021150.3(GRIP1):c.2427delG(L810*) is a nonsense variant classified as pathogenic in the context of Fraser syndrome, GRIP1-related. L810* has not been observed in cases with relevant disease. Relevant functional assessments of this variant are not available in the literature. L810* has not been observed in referenced population frequency databases. In summary, NM_021150.3(GRIP1):c.2427delG(L810*) is a nonsense variant in a gene where loss of function is a known mechanism of disease and is predicted to disrupt protein function. Please note: this variant was assessed in the context of healthy population screening.